The following is an entry in ClinVar:

NM_001377142.1(PLCB4):c.110G>A (p.Cys37Tyr)

Gene: PLCB4 (phospholipase C beta 4; plus strand). Cytogenetic location: 20p12.2.
Variant type: single nucleotide variant.
Coding change: c.110G>A on transcript NM_001377142.1 (MANE Select); coding-DNA position 110, G replaced by A.
Protein change: p.Cys37Tyr; replaces cysteine 37 with tyrosine.
Molecular consequence: missense variant.
Genome position (GRCh38, 1-based): chr20:9,337,151, G>A. VCF-style: chr20-9337151-G-A. GRCh37 (hg19) VCF-style: chr20-9317798-G-A.
Other names: c.110G>A, p.Cys37Tyr (NM_000933.4, NM_001172646.2, NM_001377134.2 and 4 more transcripts); short protein forms C37Y.
Identifiers: ClinVar variation 4846888 (VCV004846888.1).

ClinVar aggregate classification (germline): Uncertain significance (1 of 4 stars; one submission).

Conditions:
Auriculocondylar syndrome 2 (ARCND2A). Also called: AURICULOCONDYLAR SYNDROME 2A. Identifiers: Orphanet 137888, MedGen C3553404, MONDO:0013845, OMIM 614669.

Submission:

Laboratorio de Genetica e Diagnostico Molecular, Hospital Israelita Albert Einstein
Classification: Uncertain significance for Auriculocondylar syndrome 2. Last evaluated: 2026-03-17. Review status: criteria provided, single submitter. Criteria: ACMG Guidelines, 2015. Collection method: clinical testing. Allele origin: germline. Affected: yes.
Comment: ACMG classification criteria: PM2 supporting, PP2 supporting